The following is an entry in ClinVar:

ClinVar aggregate classification (germline): Pathogenic (1 of 4 stars; one submission).

Conditions:
Congenital myotonia, autosomal dominant form (THD). Also called: THOMSEN DISEASE; Myotonia congenita autosomal dominant. Identifiers: Orphanet 614, MedGen C2936781, MONDO:0008055, OMIM 160800.
Congenital myotonia, autosomal recessive form. Also called: BECKER DISEASE; Becker Generalized Myotonia; myotonia congenita, autosomal recessive. Identifiers: Orphanet 614, MedGen C0751360, MONDO:0009715, OMIM 255700.

Submission:

Labcorp Genetics (formerly Invitae), Labcorp
Classification: Pathogenic for Congenital myotonia, autosomal recessive form; Congenital myotonia, autosomal dominant form. Last evaluated: 2019-07-06. Review status: criteria provided, single submitter. Criteria: Invitae Variant Classification Sherloc (09022015). Collection method: clinical testing. Allele origin: germline.
Comment: For these reasons, this variant has been classified as Pathogenic. Loss-of-function variants in CLCN1 are known to be pathogenic (PMID: 17932099, 22094069, 23739125). This variant has not been reported in the literature in individuals with CLCN1-related conditions. This variant is not present in population databases (ExAC no frequency). This sequence change creates a premature translational stop signal (p.Leu739Valfs*57) in the CLCN1 gene. It is expected to result in an absent or disrupted protein product.

Literature cited by the submitters: PubMed 17932099; PubMed 22094069; PubMed 23739125.

NM_000083.3(CLCN1):c.2215_2216del (p.Leu739fs)

Gene: CLCN1 (chloride voltage-gated channel 1; plus strand). Cytogenetic location: 7q34.
Variant type: Microsatellite.
Coding change: c.2215_2216del on transcript NM_000083.3 (MANE Select); coding-DNA positions 2215 to 2216, 2 bases deleted (CT; older notation c.2215_2216delCT).
Protein change: p.Leu739fs; shifts the reading frame from leucine 739.
Molecular consequence: frameshift variant. On other transcripts: non-coding transcript variant (1).
Genome position (GRCh38, 1-based): chr7:143,346,182-143,346,183, CT deleted; deleting any 2 consecutive bases within chr7:143,346,180-143,346,183 gives the same sequence; the c. name uses the placement nearest the transcript's 3' end. VCF-style (leftmost placement, unchanged base first): chr7-143346179-CCT-C. GRCh37 (hg19) VCF-style: chr7-143043272-CCT-C.
Other names: short protein forms L739fs.
Identifiers: ClinVar variation 963702 (VCV000963702.7), dbSNP rs1803238026, ClinGen allele CA1748895845.